The following is an entry in ClinVar:

NM_001161352.2(KCNMA1):c.813G>C (p.Leu271Phe)

Gene: KCNMA1 (potassium calcium-activated channel subfamily M alpha 1; minus strand). Cytogenetic location: 10q22.3.
Variant type: single nucleotide variant.
Coding change: c.813G>C on transcript NM_001161352.2 (MANE Select); coding-DNA position 813, G replaced by C.
Protein change: p.Leu271Phe; replaces leucine 271 with phenylalanine.
Molecular consequence: missense variant.
Genome position (GRCh38, 1-based): chr10:77,121,044, C>G on the plus strand (G>C on the coding strand, the complement: KCNMA1 is on the minus strand). VCF-style: chr10-77121044-C-G. GRCh37 (hg19) VCF-style: chr10-78880802-C-G.
Other names: c.813G>C, p.Leu271Phe (NM_001014797.3, NM_001161353.2, NM_001271519.2 and 7 more transcripts); c.651G>C, p.Leu217Phe (NM_001271518.2); c.273G>C, p.Leu91Phe (NM_001322838.2); short protein forms L217F, L91F, L271F.
Identifiers: ClinVar variation 945789 (VCV000945789.11), dbSNP rs2097580642, ClinGen allele CA377404639.

ClinVar aggregate classification (germline): Uncertain significance. Review status: criteria provided, multiple submitters, no conflicts (2 of 4 stars). 2 submissions from 2 submitters: Uncertain significance (2). Last evaluated 2024-07-05.

Conditions:
Generalized epilepsy-paroxysmal dyskinesia syndrome (PNKD3). Also called: Generalized epilepsy and paroxysmal dyskinesia; Paroxysmal nonkinesigenic dyskinesia, 3, with or without generalized epilepsy. Identifiers: Orphanet 79137, MedGen C5574945, MONDO:0012276, OMIM 609446.

Submissions (2):

Blueprint Genetics
Classification: Uncertain significance. Last evaluated: 2024-07-05. Review status: criteria provided, single submitter. Criteria: ACMG Guidelines, 2015. Collection method: clinical testing. Allele origin: germline.

Labcorp Genetics (formerly Invitae), Labcorp
Classification: Uncertain significance for Generalized epilepsy-paroxysmal dyskinesia syndrome. Last evaluated: 2020-04-24. Review status: criteria provided, single submitter. Criteria: Invitae Variant Classification Sherloc (09022015). Collection method: clinical testing. Allele origin: germline.
Comment: In summary, the available evidence is currently insufficient to determine the role of this variant in disease. Therefore, it has been classified as a Variant of Uncertain Significance. Algorithms developed to predict the effect of missense changes on protein structure and function are either unavailable or do not agree on the potential impact of this missense change (SIFT: "Tolerated"; PolyPhen-2: "Probably Damaging"; Align-GVGD: "Class C0"). This sequence change replaces leucine with phenylalanine at codon 271 of the KCNMA1 protein (p.Leu271Phe). The leucine residue is highly conserved and there is a small physicochemical difference between leucine and phenylalanine. This variant is not present in population databases (ExAC no frequency). This variant has not been reported in the literature in individuals with KCNMA1-related conditions.